The following is an entry in ClinVar:

ClinVar aggregate classification (germline): Likely benign (1 of 4 stars; one submission).

gnomAD v4.1: 2 of 1,614,050 alleles (0.00012%); highest among the groups gnomAD compares: Non-Finnish European, 0.00017%; no homozygotes.

Submission:

CeGaT Center for Human Genetics Tuebingen
Classification: Likely benign. Last evaluated: 2026-02-01. Review status: criteria provided, single submitter. Criteria: CeGaT Center For Human Genetics Tuebingen Variant Classification Criteria Version 2. Collection method: clinical testing. Allele origin: germline. Affected: yes. Observed: 1 variant allele.
Comment: CREBBP: BP4, BP7

NM_004380.3(CREBBP):c.6870C>T (p.Ala2290=)

Gene: CREBBP (CREB binding lysine acetyltransferase; minus strand). Cytogenetic location: 16p13.3.
Variant type: single nucleotide variant.
Coding change: c.6870C>T on transcript NM_004380.3 (MANE Select); coding-DNA position 6870, C replaced by T.
Protein change: p.Ala2290=; no amino-acid change (alanine 2290 retained).
Molecular consequence: synonymous variant.
Genome position (GRCh38, 1-based): chr16:3,728,177, G>A on the plus strand (C>T on the coding strand, the complement: CREBBP is on the minus strand). VCF-style: chr16-3728177-G-A. GRCh37 (hg19) VCF-style: chr16-3778178-G-A.
Other names: c.6756C>T, p.Ala2252= (NM_001079846.1).
Identifiers: ClinVar variation 4822738 (VCV004822738.4).